The following is an entry in ClinVar:

ClinVar aggregate classification (germline): Benign (0 of 4 stars; one submission).

Conditions:
SEMA4D-related disorder. Also called: SEMA4D-related condition.

Allele frequency attached by ClinVar (database versions not stated): gnomAD exomes 0.00030; ExAC 0.00078; ESP Exome Variant Server 0.00215; gnomAD 0.00237; TOPMed 0.00258; 1000 Genomes Project 0.00280; 1000 Genomes Project 30x 0.00328.
gnomAD v4.1: 808 of 1,610,076 alleles (0.05%); highest among the groups gnomAD compares: African/African-American, 0.82%; 3 homozygotes.

Submission:

PreventionGenetics, part of Exact Sciences
Classification: Benign for SEMA4D-related condition. Last evaluated: 2019-05-28. Review status: no assertion criteria provided. Collection method: clinical testing. Allele origin: germline.
Comment: This variant is classified as benign based on ACMG/AMP sequence variant interpretation guidelines (Richards et al. 2015 PMID: 25741868, with internal and published modifications).

NM_001371194.2(SEMA4D):c.1684C>T (p.Arg562Trp)

Gene: SEMA4D (semaphorin 4D; minus strand). Cytogenetic location: 9q22.2.
Variant type: single nucleotide variant.
Coding change: c.1684C>T on transcript NM_001371194.2 (MANE Select); coding-DNA position 1684, C replaced by T.
Protein change: p.Arg562Trp; replaces arginine 562 with tryptophan.
Molecular consequence: missense variant. On other transcripts: intron variant (6).
Genome position (GRCh38, 1-based): chr9:89,379,609, G>A on the plus strand (C>T on the coding strand, the complement: SEMA4D is on the minus strand). VCF-style: chr9-89379609-G-A. GRCh37 (hg19) VCF-style: chr9-91994524-G-A.
Other names: c.1684C>T, p.Arg562Trp (NM_001371195.1, NM_001371196.1, NM_001371197.1 and 1 more transcripts); c.1663+1446C>T (NM_001371198.1, NM_001371201.1, NM_001371202.1 and 3 more transcripts); short protein forms R562W.
Identifiers: ClinVar variation 3042133 (VCV003042133.2), dbSNP rs147086169, ClinGen allele CA5118246.
Genomic context (GRCh38, chr9:89,379,609, plus strand): 5'-GGTTGGATTTTTGGGAGCATTTCAGTTCCGCTGTGCCACCGTGCTTGAAAAAATGCTGCC[G>A]GTAACTTCCTTTACTTTTATCTGGAACATCAAAATAAACGTGCACAGCGTCAACAATCCC-3'
Protein context (NP_001358123.1, residues 552-572): VCPDKSKGSY[Arg562Trp]QHFFKHGGTA